The following is an entry in ClinVar:

NM_000548.5(TSC2):c.61C>A (p.Leu21Met)

Gene: TSC2 (TSC complex subunit 2; plus strand). Cytogenetic location: 16p13.3.
Variant type: single nucleotide variant.
Coding change: c.61C>A on transcript NM_000548.5 (MANE Select); coding-DNA position 61, C replaced by A.
Protein change: p.Leu21Met; replaces leucine 21 with methionine.
Molecular consequence: missense variant. On other transcripts: 5 prime UTR variant (1), intron variant (1).
Genome position (GRCh38, 1-based): chr16:2,048,676, C>A. VCF-style: chr16-2048676-C-A. GRCh37 (hg19) VCF-style: chr16-2098677-C-A.
Other names: c.61C>A, p.Leu21Met (NM_001077183.3, NM_001114382.3, NM_001318827.2 and 4 more transcripts); c.-166C>A (NM_001318831.2); c.94C>A, p.Leu32Met (NM_001318832.2); c.-10+611C>A (NM_001318829.2); short protein forms L21M, L32M.
Identifiers: ClinVar variation 1016158 (VCV001016158.8), dbSNP rs2084676177, ClinGen allele CA394301140.

ClinVar aggregate classification (germline): Uncertain significance (1 of 4 stars; one submission).

Conditions:
Tuberous sclerosis 2 (TSC2). Identifiers: Orphanet 805, MedGen C1860707, MONDO:0013199, OMIM 613254.

Submission:

Labcorp Genetics (formerly Invitae), Labcorp
Classification: Uncertain significance for Tuberous sclerosis 2. Last evaluated: 2020-10-23. Review status: criteria provided, single submitter. Criteria: Invitae Variant Classification Sherloc (09022015). Collection method: clinical testing. Allele origin: germline.
Comment: In summary, the available evidence is currently insufficient to determine the role of this variant in disease. Therefore, it has been classified as a Variant of Uncertain Significance. Advanced modeling of protein sequence and biophysical properties (such as structural, functional, and spatial information, amino acid conservation, physicochemical variation, residue mobility, and thermodynamic stability) performed at Invitae indicates that this missense variant is not expected to disrupt TSC2 protein function. This variant has not been reported in the literature in individuals with TSC2-related conditions. This variant is not present in population databases (ExAC no frequency). This sequence change replaces leucine with methionine at codon 21 of the TSC2 protein (p.Leu21Met). The leucine residue is highly conserved and there is a small physicochemical difference between leucine and methionine.